The following is an entry in ClinVar:

NM_023110.3(FGFR1):c.1247A>G (p.Lys416Arg)

Gene: FGFR1 (fibroblast growth factor receptor 1; minus strand). Cytogenetic location: 8p11.23.
Variant type: single nucleotide variant.
Coding change: c.1247A>G on transcript NM_023110.3 (MANE Select); coding-DNA position 1247, A replaced by G.
Protein change: p.Lys416Arg; replaces lysine 416 with arginine.
Molecular consequence: missense variant.
Genome position (GRCh38, 1-based): chr8:38,419,570, T>C on the plus strand (A>G on the coding strand, the complement: FGFR1 is on the minus strand). VCF-style: chr8-38419570-T-C. GRCh37 (hg19) VCF-style: chr8-38277088-T-C.
Other names: c.1247A>G, p.Lys416Arg (NM_001174063.2); c.1223A>G, p.Lys408Arg (NM_001174064.2); c.1241A>G, p.Lys414Arg (NM_001174065.2, NM_001354367.2, NM_001354369.2 and 2 more transcripts); c.980A>G, p.Lys327Arg (NM_001174066.2, NM_023105.3); c.1340A>G, p.Lys447Arg (NM_001174067.2); c.974A>G, p.Lys325Arg (NM_001354368.2, NM_001354370.2, NM_023106.3); short protein forms K325R, K327R, K408R, K414R, K416R, K447R.
Identifiers: ClinVar variation 5018801 (VCV005018801.2).
Genomic context (GRCh38, chr8:38,419,570, plus strand): 5'-GTGCAAATCCCCCATCTACTTTCTGTTACCTGTCTGCGCAGAGGGATGCTCTTGGCCAGC[T>C]TGTGCACAGCCATCTGGCTGTGGAAGTCACTCTTCTTGGTACCACTCTTCATCTTGTAGA-3'
Protein context (NP_075598.2, residues 406-426): SDFHSQMAVH[Lys416Arg]LAKSIPLRRQ

ClinVar aggregate classification (germline): Uncertain significance (1 of 4 stars; one submission).

Conditions:
Hartsfield-Bixler-Demyer syndrome (HRTFDS). Also called: Hartsfield syndrome; FGFR1-Related Hartsfield Syndrome; Holoprosencephaly, ectrodactyly, and bilateral cleft lip/palate. Identifiers: Orphanet 2117, MedGen C1845146, MONDO:0014196, OMIM 615465. Disease mechanism: loss of function.
Osteoglophonic dysplasia (OGD). Also called: Osteoglophonic dwarfism. Identifiers: Orphanet 2645, MedGen C0432283, MONDO:0008150, OMIM 166250.
Encephalocraniocutaneous lipomatosis (ECCL). Identifiers: Orphanet 2396, MedGen C0406612, MONDO:0013074, OMIM 613001.
Trigonocephaly 1 (TRIGNO1). Identifiers: Orphanet 3366, MedGen C0432122, MONDO:0008603, OMIM 190440.
Pfeiffer syndrome (ACS5). Also called: ACS V. Identifiers: Orphanet 710, MedGen C0220658, MONDO:0007043, OMIM 101600.
Jackson-Weiss syndrome (JWS). Also called: CRANIOSYNOSTOSIS, MIDFACIAL HYPOPLASIA, AND FOOT ABNORMALITIES. Identifiers: Orphanet 1540, MedGen C0795998, MONDO:0007400, OMIM 123150. Disease mechanism: loss of function.
Hypogonadotropic hypogonadism 2 with or without anosmia (HH2). Also called: HYPOGONADOTROPIC HYPOGONADISM 2 WITHOUT ANOSMIA; FGFR1-Related GnRH Deficiency (Kallmann Syndrome 2); HYPOGONADOTROPIC HYPOGONADISM 2 WITHOUT ANOSMIA, SUSCEPTIBILITY TO; HYPOGONADOTROPIC HYPOGONADISM 2 WITH OR WITHOUT ANOSMIA, SUSCEPTIBILITY TO. Identifiers: Orphanet 478, MedGen C1563720, MONDO:0007844, OMIM 147950. Disease mechanism: loss of function.

Submission:

Juno Genomics, Hangzhou Juno Genomics, Inc
Classification: Uncertain significance for Trigonocephaly 1; Encephalocraniocutaneous lipomatosis; Hartsfield-Bixler-Demyer syndrome; Hypogonadotropic hypogonadism 2 with or without anosmia; Jackson-Weiss syndrome; Osteoglophonic dysplasia; Pfeiffer syndrome. Review status: criteria provided, single submitter. Criteria: ACMG Guidelines, 2015. Collection method: clinical testing. Allele origin: germline.
Comment: Absent from controls (or at extremely low frequency if recessive) in Genome Aggregation Database.;Missense variant in a gene that has a low rate of benign missense variation.;Multiple lines of computational evidence support a deleterious effect on the gene or gene product.